The following is an entry in ClinVar:

NM_001287491.2(TET3):c.3509C>A (p.Ala1170Glu)

Gene: TET3 (tet methylcytosine dioxygenase 3; plus strand). Cytogenetic location: 2p13.1.
Variant type: single nucleotide variant.
Coding change: c.3509C>A on transcript NM_001287491.2 (MANE Select); coding-DNA position 3509, C replaced by A.
Protein change: p.Ala1170Glu; replaces alanine 1170 with glutamic acid.
Molecular consequence: missense variant.
Genome position (GRCh38, 1-based): chr2:74,099,517, C>A. VCF-style: chr2-74099517-C-A. GRCh37 (hg19) VCF-style: chr2-74326644-C-A.
Other names: c.3230C>A, p.Ala1077Glu (NM_001366022.1); short protein forms A1077E, A1170E.
Identifiers: ClinVar variation 4070647 (VCV004070647.1).

ClinVar aggregate classification (germline): Uncertain significance (1 of 4 stars; one submission).

Submission:

GeneDx
Classification: Uncertain significance. Last evaluated: 2025-01-07. Review status: criteria provided, single submitter. Criteria: GeneDx Variant Classification Process June 2021. Collection method: clinical testing. Allele origin: germline. Affected: yes.
Comment: Not observed at significant frequency in large population cohorts (gnomAD); In silico analysis indicates that this missense variant does not alter protein structure/function; Has not been previously published as pathogenic or benign to our knowledge